The following is an entry in ClinVar:

NM_173354.5(SIK1):c.1345A>G (p.Arg449Gly)

Gene: SIK1 (salt inducible kinase 1; minus strand). Cytogenetic location: 21q22.3.
Variant type: single nucleotide variant.
Coding change: c.1345A>G on transcript NM_173354.5 (MANE Select); coding-DNA position 1345, A replaced by G.
Protein change: p.Arg449Gly; replaces arginine 449 with glycine.
Molecular consequence: missense variant.
Genome position (GRCh38, 1-based): chr21:43,419,138, T>C on the plus strand (A>G on the coding strand, the complement: SIK1 is on the minus strand). VCF-style: chr21-43419138-T-C. GRCh37 (hg19) VCF-style: chr21-44839018-T-C.
Other names: short protein forms R449G.
Identifiers: ClinVar variation 1713778 (VCV001713778.6), dbSNP rs763587662, ClinGen allele CA410608202.

ClinVar aggregate classification (germline): Uncertain significance (1 of 4 stars; one submission).

Conditions:
Developmental and epileptic encephalopathy, 30 (DEE30). Also called: Epileptic encephalopathy, early infantile, 30. Identifiers: MedGen C4225360, MONDO:0014595, OMIM 616341.

Submission:

Labcorp Genetics (formerly Invitae), Labcorp
Classification: Uncertain significance for Developmental and epileptic encephalopathy, 30. Last evaluated: 2022-07-15. Review status: criteria provided, single submitter. Criteria: Invitae Variant Classification Sherloc (09022015). Collection method: clinical testing. Allele origin: germline.
Comment: In summary, the available evidence is currently insufficient to determine the role of this variant in disease. Therefore, it has been classified as a Variant of Uncertain Significance. Advanced modeling of protein sequence and biophysical properties (such as structural, functional, and spatial information, amino acid conservation, physicochemical variation, residue mobility, and thermodynamic stability) performed at Invitae indicates that this missense variant is not expected to disrupt SIK1 protein function. This variant has not been reported in the literature in individuals affected with SIK1-related conditions. This variant is not present in population databases (gnomAD no frequency). This sequence change replaces arginine, which is basic and polar, with glycine, which is neutral and non-polar, at codon 449 of the SIK1 protein (p.Arg449Gly).